The following is an entry in ClinVar:

NM_003690.5(PRKRA):c.378T>C (p.Asn126=)

Gene: PRKRA (protein activator of interferon induced protein kinase EIF2AK2; minus strand). Cytogenetic location: 2q31.2.
Variant type: single nucleotide variant.
Coding change: c.378T>C on transcript NM_003690.5 (MANE Select); coding-DNA position 378, T replaced by C.
Protein change: p.Asn126=; no amino-acid change (asparagine 126 retained).
Molecular consequence: synonymous variant.
Genome position (GRCh38, 1-based): chr2:178,444,440, A>G on the plus strand (T>C on the coding strand, the complement: PRKRA is on the minus strand). VCF-style: chr2-178444440-A-G. GRCh37 (hg19) VCF-style: chr2-179309167-A-G.
Other names: c.345T>C, p.Asn115= (NM_001139517.2); c.303T>C, p.Asn101= (NM_001139518.2); c.39T>C, p.Asn13= (NM_001316362.2).
Identifiers: ClinVar variation 4083595 (VCV004083595.8).

ClinVar aggregate classification (germline): Likely benign (1 of 4 stars; one submission).

gnomAD v4.1: 2 of 1,599,758 alleles (0.00013%); highest among the groups gnomAD compares: East Asian, 0.0023%; no homozygotes.

Submission:

CeGaT Center for Human Genetics Tuebingen
Classification: Likely benign. Last evaluated: 2026-03-01. Review status: criteria provided, single submitter. Criteria: CeGaT Center For Human Genetics Tuebingen Variant Classification Criteria Version 2. Collection method: clinical testing. Allele origin: germline. Affected: yes. Observed: 2 variant alleles.
Comment: PRKRA: BP4, BP7